The following is an entry in ClinVar:

ClinVar aggregate classification (germline): Uncertain significance (1 of 4 stars; one submission).

gnomAD v4.1: 2 of 1,614,050 alleles (0.00012%); highest among the groups gnomAD compares: Non-Finnish European, 0.00017%; no homozygotes.

Submission:

GeneDx
Classification: Uncertain significance. Last evaluated: 2024-06-14. Review status: criteria provided, single submitter. Criteria: GeneDx Variant Classification Process June 2021. Collection method: clinical testing. Allele origin: germline. Affected: yes.
Comment: Not observed at significant frequency in large population cohorts (gnomAD); In silico analysis indicates that this missense variant does not alter protein structure/function; Has not been previously published as pathogenic or benign to our knowledge; This variant is associated with the following publications: (PMID: 25486365)

NM_001042492.3(NF1):c.7584A>C (p.Gln2528His)

Gene: NF1 (neurofibromin 1; plus strand). Cytogenetic location: 17q11.2.
Variant type: single nucleotide variant.
Coding change: c.7584A>C on transcript NM_001042492.3 (MANE Select); coding-DNA position 7584, A replaced by C.
Protein change: p.Gln2528His; replaces glutamine 2528 with histidine.
Molecular consequence: missense variant.
Genome position (GRCh38, 1-based): chr17:31,352,383, A>C. VCF-style: chr17-31352383-A-C. GRCh37 (hg19) VCF-style: chr17-29679401-A-C.
Other names: c.7521A>C, p.Gln2507His (NM_000267.4); short protein forms Q2507H, Q2528H.
Identifiers: ClinVar variation 3390520 (VCV003390520.1).